The following is an entry in ClinVar:

ClinVar aggregate classification (germline): Uncertain significance (1 of 4 stars; one submission).

Conditions:
POLD1-related polyposis and colorectal cancer syndrome (CRCS10). Also called: COLORECTAL CANCER, SUSCEPTIBILITY TO, ON CHROMOSOME 19q; Colorectal cancer 10; Colorectal cancer, susceptibility to, 10. Identifiers: Orphanet 220460, MedGen C2675481, MONDO:0012953, OMIM 612591.

Submission:

Labcorp Genetics (formerly Invitae), Labcorp
Classification: Uncertain significance for POLD1-related polyposis and colorectal cancer syndrome. Last evaluated: 2025-06-06. Review status: criteria provided, single submitter. Criteria: Invitae Variant Classification Sherloc (09022015). Collection method: clinical testing. Allele origin: germline.
Comment: This sequence change replaces serine, which is neutral and polar, with proline, which is neutral and non-polar, at codon 32 of the POLD1 protein (p.Ser32Pro). This variant is not present in population databases (gnomAD no frequency). This variant has not been reported in the literature in individuals affected with POLD1-related conditions. An algorithm developed to predict the effect of missense changes on protein structure and function (PolyPhen-2) suggests that this variant is likely to be disruptive. In summary, the available evidence is currently insufficient to determine the role of this variant in disease. Therefore, it has been classified as a Variant of Uncertain Significance.

NM_002691.4(POLD1):c.94T>C (p.Ser32Pro)

Gene: POLD1 (DNA polymerase delta 1, catalytic subunit; plus strand). Cytogenetic location: 19q13.33.
Variant type: single nucleotide variant.
Coding change: c.94T>C on transcript NM_002691.4 (MANE Select); coding-DNA position 94, T replaced by C.
Protein change: p.Ser32Pro; replaces serine 32 with proline.
Molecular consequence: missense variant. On other transcripts: non-coding transcript variant (1).
Genome position (GRCh38, 1-based): chr19:50,398,945, T>C. VCF-style: chr19-50398945-T-C. GRCh37 (hg19) VCF-style: chr19-50902202-T-C.
Other names: c.94T>C, p.Ser32Pro (NM_001438212.1, NM_001438213.1, NM_001256849.1 and 3 more transcripts); short protein forms S32P.
Identifiers: ClinVar variation 4765778 (VCV004765778.1).
Genomic context (GRCh38, chr19:50,398,945, plus strand): 5'-GGGGTGCCCCCAAAGCGGGCCCGTGGGGGCCTCTGGGATGATGATGATGCACCTCGGCCA[T>C]CCCAATTCGAGGAGGACCTGGCACTGATGGAGGAGATGGAGGCAGAACACAGGCTGCAGG-3'
Protein context (NP_002682.2, residues 22-42): LWDDDDAPRP[Ser32Pro]QFEEDLALME